The following is an entry in ClinVar:

NM_001371928.1(AHDC1):c.3547C>T (p.Arg1183Trp)

Gene: AHDC1 (AT-hook DNA binding motif containing 1; minus strand). Cytogenetic location: 1p36.11.
Variant type: single nucleotide variant.
Coding change: c.3547C>T on transcript NM_001371928.1 (MANE Select); coding-DNA position 3547, C replaced by T.
Protein change: p.Arg1183Trp; replaces arginine 1183 with tryptophan.
Molecular consequence: missense variant.
Genome position (GRCh38, 1-based): chr1:27,548,569, G>A on the plus strand (C>T on the coding strand, the complement: AHDC1 is on the minus strand). VCF-style: chr1-27548569-G-A. GRCh37 (hg19) VCF-style: chr1-27875080-G-A.
Other names: c.3547C>T, p.Arg1183Trp (NM_001029882.3); short protein forms R1183W.
Identifiers: ClinVar variation 989291 (VCV000989291.4), dbSNP rs923632705, ClinGen allele CA19872946.

ClinVar aggregate classification (germline): Uncertain significance (1 of 4 stars; one submission).

Conditions:
AHDC1-related intellectual disability - obstructive sleep apnea - mild dysmorphism syndrome. Also called: Xia-Gibbs syndrome. Identifiers: Orphanet 412069, MedGen C4014419, MONDO:0014358, OMIM 615829.

Allele frequency attached by ClinVar (database versions not stated): gnomAD exomes below 0.00001.
gnomAD v4.1: 13 of 1,613,482 alleles (0.00081%); highest among the groups gnomAD compares: Non-Finnish European, 0.0011%; no homozygotes.

Submission:

Illumina Laboratory Services, Illumina
Classification: Uncertain significance for AHDC1-related intellectual disability - obstructive sleep apnea - mild dysmorphism syndrome. Last evaluated: 2019-03-22. Review status: criteria provided, single submitter. Criteria: ICSLVariantClassificationCriteria RUGD 01 April 2020. Collection method: clinical testing. Allele origin: unknown.
Comment: The AHDC1 c.3547C>T (p.Arg1183Trp) variant is a missense variant. A literature search was performed for the gene, cDNA change, and amino acid change. No publications were found based on this search. The p.Arg1183Trp variant is reported at a frequency of 0.000009 in the European (non-Finnish) population of the Genome Aggregation Database but this is based on one allele in a region of good sequence coverage, so the variant is presumed to be rare. Based on the limited evidence, the p.Arg1183Trp variant is classified as a variant of uncertain significance for Xia-Gibbs syndrome.